The following is an entry in ClinVar:

ClinVar aggregate classification (germline): Uncertain significance (1 of 4 stars; one submission).

Conditions:
Aortic valve disease 2 (AOVD2). Identifiers: MedGen C3542024, MONDO:0013902, OMIM 614823.

gnomAD v4.1: 1 of 1,381,688 alleles (0.000072%); highest among the groups gnomAD compares: Non-Finnish European, 0.000095%; no homozygotes.

Submission:

Labcorp Genetics (formerly Invitae), Labcorp
Classification: Uncertain significance for Aortic valve disease 2. Last evaluated: 2025-12-16. Review status: criteria provided, single submitter. Criteria: Invitae Variant Classification Sherloc (09022015). Collection method: clinical testing. Allele origin: germline.
Comment: This sequence change replaces arginine, which is basic and polar, with proline, which is neutral and non-polar, at codon 162 of the SMAD6 protein (p.Arg162Pro). This variant is not present in population databases (gnomAD no frequency). This variant has not been reported in the literature in individuals affected with SMAD6-related conditions. Invitae Evidence Modeling of protein sequence and biophysical properties (such as structural, functional, and spatial information, amino acid conservation, physicochemical variation, residue mobility, and thermodynamic stability) indicates that this missense variant is not expected to disrupt SMAD6 protein function with a negative predictive value of 80%. In summary, the available evidence is currently insufficient to determine the role of this variant in disease. Therefore, it has been classified as a Variant of Uncertain Significance.

NM_005585.5(SMAD6):c.485G>C (p.Arg162Pro)

Gene: SMAD6 (SMAD family member 6; plus strand). Cytogenetic location: 15q22.31.
Variant type: single nucleotide variant.
Coding change: c.485G>C on transcript NM_005585.5 (MANE Select); coding-DNA position 485, G replaced by C.
Protein change: p.Arg162Pro; replaces arginine 162 with proline.
Molecular consequence: missense variant. On other transcripts: non-coding transcript variant (1).
Genome position (GRCh38, 1-based): chr15:66,703,743, G>C. VCF-style: chr15-66703743-G-C. GRCh37 (hg19) VCF-style: chr15-66996081-G-C.
Other names: short protein forms R162P.
Identifiers: ClinVar variation 4775802 (VCV004775802.1).